The following is an entry in ClinVar:

NM_000535.7(PMS2):c.2166G>C (p.Arg722Ser)

Gene: PMS2 (PMS1 homolog 2, mismatch repair system component; minus strand). Cytogenetic location: 7p22.1.
Variant type: single nucleotide variant.
Coding change: c.2166G>C on transcript NM_000535.7 (MANE Select); coding-DNA position 2166, G replaced by C.
Protein change: p.Arg722Ser; replaces arginine 722 with serine.
Molecular consequence: missense variant. On other transcripts: non-coding transcript variant (1).
Genome position (GRCh38, 1-based): chr7:5,982,832, C>G on the plus strand (G>C on the coding strand, the complement: PMS2 is on the minus strand). VCF-style: chr7-5982832-C-G. GRCh37 (hg19) VCF-style: chr7-6022463-C-G.
Other names: c.2166G>C, p.Arg722Ser (NM_001322014.2, NM_001406871.1); c.1857G>C, p.Arg619Ser (NM_001322015.2, NM_001406875.1, NM_001406877.1 and 5 more transcripts); c.2352G>C, p.Arg784Ser (NM_001406866.1); c.2190G>C, p.Arg730Ser (NM_001406868.1); c.2058G>C, p.Arg686Ser (NM_001406869.1); c.2010G>C, p.Arg670Ser (NM_001406870.1, NM_001322006.2); c.1968G>C, p.Arg656Ser (NM_001406873.1); c.1998G>C, p.Arg666Ser (NM_001406874.1); and 13 more; short protein forms R321S, R551S, R564S, R616S, R619S, R656S, R784S, R535S.
Identifiers: ClinVar variation 1786988 (VCV001786988.2), dbSNP rs863224367, ClinGen allele CA366737852.
Genomic context (GRCh38, chr7:5,982,832, plus strand): 5'-TTAGATCTTCAATTTGAGGGGGAGTCTGGGAATGAACACTAAACACACTCACGCTATGAG[C>G]CTCTGCCCCTGGAGCACGGTGTGCTGCTGCAGCATCTCGAAGTTATACTTCTCGTCCGTG-3'
Protein context (NP_000526.2, residues 712-732): LQQHTVLQGQ[Arg722Ser]LIAPQTLNLT

ClinVar aggregate classification (germline): Uncertain significance (1 of 4 stars; one submission).

Conditions:
Hereditary cancer-predisposing syndrome. Also called: Neoplastic Syndromes, Hereditary; Tumor predisposition; Hereditary Cancer Syndrome; Hereditary neoplastic syndrome. Identifiers: Orphanet 140162, MedGen C0027672, MeSH D009386, MONDO:0015356.

Submission:

Ambry Genetics
Classification: Uncertain significance for Hereditary cancer-predisposing syndrome. Last evaluated: 2022-01-31. Review status: criteria provided, single submitter. Criteria: Ambry Variant Classification Scheme 2023. Collection method: clinical testing. Allele origin: germline.
Comment: The p.R722S variant (also known as c.2166G>C), located in coding exon 12 of the PMS2 gene, results from a G to C substitution at nucleotide position 2166. The arginine at codon 722 is replaced by serine, an amino acid with dissimilar properties. This amino acid position is conserved. In addition, the in silico prediction for this alteration is inconclusive. Since supporting evidence is limited at this time, the clinical significance of this alteration remains unclear.